The following is an entry in ClinVar:

ClinVar aggregate classification (germline): Uncertain significance (1 of 4 stars; one submission).

Conditions:
Chédiak-Higashi syndrome (CHS). Also called: Chediak-Higashi Syndrome. Identifiers: Orphanet 167, MedGen C0007965, MONDO:0008963, OMIM 214500.

Submission:

Labcorp Genetics (formerly Invitae), Labcorp
Classification: Uncertain significance for Chédiak-Higashi syndrome. Last evaluated: 2024-02-24. Review status: criteria provided, single submitter. Criteria: Invitae Variant Classification Sherloc (09022015). Collection method: clinical testing. Allele origin: germline.
Comment: This sequence change replaces glutamine, which is neutral and polar, with glutamic acid, which is acidic and polar, at codon 3487 of the LYST protein (p.Gln3487Glu). This variant is not present in population databases (gnomAD no frequency). This variant has not been reported in the literature in individuals affected with LYST-related conditions. ClinVar contains an entry for this variant (Variation ID: 525176). Advanced modeling of protein sequence and biophysical properties (such as structural, functional, and spatial information, amino acid conservation, physicochemical variation, residue mobility, and thermodynamic stability) performed at Invitae indicates that this missense variant is expected to disrupt LYST protein function with a positive predictive value of 80%. In summary, the available evidence is currently insufficient to determine the role of this variant in disease. Therefore, it has been classified as a Variant of Uncertain Significance.

NM_000081.4(LYST):c.10459C>G (p.Gln3487Glu)

Gene: LYST (lysosomal trafficking regulator; minus strand). Cytogenetic location: 1q42.3.
Variant type: single nucleotide variant.
Coding change: c.10459C>G on transcript NM_000081.4 (MANE Select); coding-DNA position 10459, C replaced by G.
Protein change: p.Gln3487Glu; replaces glutamine 3487 with glutamic acid.
Molecular consequence: missense variant.
Genome position (GRCh38, 1-based): chr1:235,697,188, G>C on the plus strand (C>G on the coding strand, the complement: LYST is on the minus strand). VCF-style: chr1-235697188-G-C. GRCh37 (hg19) VCF-style: chr1-235860488-G-C.
Other names: c.10459C>G, p.Gln3487Glu (NM_001301365.1); short protein forms Q3487E.
Identifiers: ClinVar variation 525176 (VCV000525176.5), dbSNP rs2527285147, ClinGen allele CA344929137.